The following is an entry in ClinVar:

ClinVar aggregate classification (germline): Likely benign (0 of 4 stars; one submission).

Conditions:
DSCAM-related disorder. Also called: DSCAM-related condition.

Allele frequency attached by ClinVar (database versions not stated): gnomAD exomes 0.00013; ExAC 0.00033; ESP Exome Variant Server 0.00075; 1000 Genomes Project 30x 0.00109; 1000 Genomes Project 0.00120; gnomAD 0.00123; TOPMed 0.00144.
gnomAD v4.1: 378 of 1,614,218 alleles (0.023%); highest among the groups gnomAD compares: African/African-American, 0.47%; 1 homozygote.

Submission:

PreventionGenetics, part of Exact Sciences
Classification: Likely benign for DSCAM-related condition. Last evaluated: 2024-07-03. Review status: no assertion criteria provided. Collection method: clinical testing. Allele origin: germline.
Comment: This variant is classified as likely benign based on ACMG/AMP sequence variant interpretation guidelines (Richards et al. 2015 PMID: 25741868, with internal and published modifications).

NM_001389.5(DSCAM):c.3213C>T (p.Gly1071=)

Gene: DSCAM (DS cell adhesion molecule; minus strand). Cytogenetic location: 21q22.2.
Variant type: single nucleotide variant.
Coding change: c.3213C>T on transcript NM_001389.5 (MANE Select); coding-DNA position 3213, C replaced by T.
Protein change: p.Gly1071=; no amino-acid change (glycine 1071 retained).
Molecular consequence: synonymous variant. On other transcripts: non-coding transcript variant (1).
Genome position (GRCh38, 1-based): chr21:40,144,537, G>A on the plus strand (C>T on the coding strand, the complement: DSCAM is on the minus strand). VCF-style: chr21-40144537-G-A. GRCh37 (hg19) VCF-style: chr21-41516464-G-A.
Other names: c.3213C>T, p.Gly1071= (NM_001271534.3, NM_206887.1).
Identifiers: ClinVar variation 3046759 (VCV003046759.2), dbSNP rs186014927, ClinGen allele CA10031024.
Genomic context (GRCh38, chr21:40,144,537, plus strand): 5'-CCGGCCGAACCTACCATCCTCGAGAGTGGTGGTGATGATTTCCTGAGAAGAAGGCCCCGT[G>A]CCGGCCCGGTTACAGGCCTGCACCACCAGGCCGTACTGAGTGAACTTATTCAGGTTGTCC-3'
Protein context (NP_001380.2, residues 1061-1081): GLVVQACNRA[Gly1071=]TGPSSQEIIT